The following is an entry in ClinVar:

ClinVar aggregate classification (germline): Conflicting classifications of pathogenicity. Review status: criteria provided, conflicting classifications (1 of 4 stars). 6 submissions from 6 submitters: Uncertain significance (3); Likely benign (2). 1 of the submissions does not count toward it. Last evaluated 2026-01-07.

Conditions:
Inborn genetic diseases. Identifiers: MedGen C0950123, MeSH D030342.
NARS2-related disorder. Also called: NARS2-related condition.

Allele frequency attached by ClinVar (database versions not stated): gnomAD 0.00009 and 0.00010; TOPMed 0.00024; ExAC 0.00044; gnomAD exomes 0.00049.
gnomAD v4.1: 142 of 1,614,034 alleles (0.0088%); highest among the groups gnomAD compares: Admixed American, 0.23%; no homozygotes.

Submissions (6):

Labcorp Genetics (formerly Invitae), Labcorp
Classification: Likely benign. Last evaluated: 2026-01-07. Review status: criteria provided, single submitter. Criteria: Invitae Variant Classification Sherloc (09022015). Collection method: clinical testing. Allele origin: germline.

Mayo Clinic Laboratories, Mayo Clinic
Classification: Uncertain significance. Last evaluated: 2025-06-23. Review status: criteria provided, single submitter. Criteria: ACMG Guidelines, 2015. Collection method: clinical testing. Allele origin: germline. Observed: 1 variant allele.
Comment: BS1

Blueprint Genetics
Classification: Uncertain significance. Last evaluated: 2022-09-28. Review status: criteria provided, single submitter. Criteria: ACMG Guidelines, 2015. Collection method: clinical testing. Allele origin: germline.

Ambry Genetics
Classification: Uncertain significance for Inborn genetic diseases. Last evaluated: 2021-07-08. Review status: criteria provided, single submitter. Criteria: Ambry Variant Classification Scheme 2023. Collection method: clinical testing. Allele origin: germline.

GeneDx
Classification: Likely benign. Last evaluated: 2021-01-28. Review status: criteria provided, single submitter. Criteria: GeneDx Variant Classification Process June 2021. Collection method: clinical testing. Allele origin: germline. Affected: yes.

PreventionGenetics, part of Exact Sciences
Classification: Likely benign for NARS2-related condition. Last evaluated: 2023-05-16. Review status: no assertion criteria provided. Collection method: clinical testing. Allele origin: germline. Not counted in ClinVar's aggregate classification.
Comment: This variant is classified as likely benign based on ACMG/AMP sequence variant interpretation guidelines (Richards et al. 2015 PMID: 25741868, with internal and published modifications).

NM_024678.6(NARS2):c.1132A>C (p.Met378Leu)

Genes: NARS2 (asparaginyl-tRNA synthetase 2, mitochondrial; minus strand), LOC130006506 (ATAC-STARR-seq lymphoblastoid active region 5325; plus strand). Cytogenetic location: 11q14.1.
Variant type: single nucleotide variant.
Coding change: c.1132A>C on transcript NM_024678.6 (MANE Select); coding-DNA position 1132, A replaced by C.
Protein change: p.Met378Leu; replaces methionine 378 with leucine.
Molecular consequence: missense variant.
Genome position (GRCh38, 1-based): chr11:78,465,908, T>G on the plus strand (A>C on the coding strand, the complement: NARS2 is on the minus strand). VCF-style: chr11-78465908-T-G. GRCh37 (hg19) VCF-style: chr11-78176954-T-G.
Other names: p.Met378Leu; c.451A>C, p.Met151Leu (NM_001243251.2); short protein forms M151L, M378L.
Identifiers: ClinVar variation 729864 (VCV000729864.16), dbSNP rs762479722, ClinGen allele CA6205576.